The following is an entry in ClinVar:

NM_201384.3(PLEC):c.596G>A (p.Arg199Gln)

Gene: PLEC (plectin; minus strand). Cytogenetic location: 8q24.3.
Variant type: single nucleotide variant.
Coding change: c.596G>A on transcript NM_201384.3 (MANE Select); coding-DNA position 596, G replaced by A.
Protein change: p.Arg199Gln; replaces arginine 199 with glutamine.
Molecular consequence: missense variant.
Genome position (GRCh38, 1-based): chr8:143,935,854, C>T on the plus strand (G>A on the coding strand, the complement: PLEC is on the minus strand). VCF-style: chr8-143935854-C-T. GRCh37 (hg19) VCF-style: chr8-145010022-C-T.
Other names: c.677G>A, p.Arg226Gln (NM_000445.5); c.554G>A, p.Arg185Gln (NM_201378.4); c.530G>A, p.Arg177Gln (NM_201379.3); c.1007G>A, p.Arg336Gln (NM_201380.4); c.500G>A, p.Arg167Gln (NM_201381.3); c.596G>A, p.Arg199Gln (NM_201382.4); c.608G>A, p.Arg203Gln (NM_201383.3); short protein forms R167Q, R199Q, R185Q, R226Q, R336Q, R177Q, R203Q.
Identifiers: ClinVar variation 1364044 (VCV001364044.7), dbSNP rs782356049, ClinGen allele CA4928396.
Genomic context (GRCh38, chr8:143,935,854, plus strand): 5'-AGGCGCTGTGGGGGTGCCCCCAGCCCACAGCCCCCTGCCCCCGGGGCCATGTACTTGTGC[C>T]GGTGGATGATGGCATTGAAGAGGCGGCCGTCTCTCCAGCTGGAGGTGAAGTTGTCGCATC-3'
Protein context (NP_958786.1, residues 189-209): DGRLFNAIIH[Arg199Gln]HKPLLIDMNK

ClinVar aggregate classification (germline): Uncertain significance. Review status: criteria provided, multiple submitters, no conflicts (2 of 4 stars). 2 submissions from 2 submitters: Uncertain significance (2). Last evaluated 2025-08-12.

Conditions:
Epidermolysis bullosa simplex 5B, with muscular dystrophy (EBS5B). Also called: Epidermolysis bullosa simplex with muscular dystrophy; EPIDERMOLYSIS BULLOSA SIMPLEX AND LIMB-GIRDLE MUSCULAR DYSTROPHY. Identifiers: Orphanet 257, MedGen C2931072, MONDO:0009181, OMIM 226670.
Epidermolysis bullosa simplex 5C, with pyloric atresia (EBS5C). Also called: Epidermolysis bullosa simplex with pyloric atresia; PLEC-Related Epidermolysis Bullosa with Pyloric Atresia; PLEC1-Related Epidermolysis Bullosa with Pyloric Atresia. Identifiers: Orphanet 158684, MedGen C2677349, MONDO:0012807, OMIM 612138.
Epidermolysis bullosa simplex with nail dystrophy (EBS5D). Identifiers: MedGen C4225309, MONDO:0014661, OMIM 616487.
Autosomal recessive limb-girdle muscular dystrophy type 2Q (LGMDR17). Also called: MUSCULAR DYSTROPHY, LIMB-GIRDLE, AUTOSOMAL RECESSIVE 17. Identifiers: Orphanet 254361, MedGen C3150989, MONDO:0013390, OMIM 613723.
Epidermolysis bullosa simplex, Ogna type (EBS5A). Also called: Pidermolysis bullosa simplex 5A, Ogna type; EPIDERMOLYSIS BULLOSA SIMPLEX 5A, OGNA TYPE. Identifiers: Orphanet 79401, MedGen C0432317, MONDO:0007555, OMIM 131950.

Allele frequency attached by ClinVar (database versions not stated): ExAC 0.00001; gnomAD 0.00001; gnomAD exomes 0.00001; TOPMed 0.00001.
gnomAD v4.1: 9 of 1,612,702 alleles (0.00056%); highest among the groups gnomAD compares: African/African-American, 0.0013%; no homozygotes.

Submissions (2):

Labcorp Genetics (formerly Invitae), Labcorp
Classification: Uncertain significance for Autosomal recessive limb-girdle muscular dystrophy type 2Q; Epidermolysis bullosa simplex, Ogna type; Epidermolysis bullosa simplex with nail dystrophy; Epidermolysis bullosa simplex 5C, with pyloric atresia; Epidermolysis bullosa simplex 5B, with muscular dystrophy. Last evaluated: 2025-08-12. Review status: criteria provided, single submitter. Criteria: Invitae Variant Classification Sherloc (09022015). Collection method: clinical testing. Allele origin: germline.
Comment: This sequence change replaces arginine, which is basic and polar, with glutamine, which is neutral and polar, at codon 226 of the PLEC protein (p.Arg226Gln). This variant is present in population databases (rs782356049, gnomAD 0.004%). This variant has not been reported in the literature in individuals affected with PLEC-related conditions. ClinVar contains an entry for this variant (Variation ID: 1364044). Invitae Evidence Modeling of protein sequence and biophysical properties (such as structural, functional, and spatial information, amino acid conservation, physicochemical variation, residue mobility, and thermodynamic stability) indicates that this missense variant is not expected to disrupt PLEC protein function with a negative predictive value of 80%. In summary, the available evidence is currently insufficient to determine the role of this variant in disease. Therefore, it has been classified as a Variant of Uncertain Significance.

Revvity Omics, Revvity
Classification: Uncertain significance. Last evaluated: 2025-04-11. Review status: criteria provided, single submitter. Criteria: ACMG Guidelines, 2015. Collection method: clinical testing. Allele origin: germline.